The following is an entry in ClinVar:

NM_001458.5(FLNC):c.912C>T (p.Asp304=)

Gene: FLNC (filamin C; plus strand). Cytogenetic location: 7q32.1.
Variant type: single nucleotide variant.
Coding change: c.912C>T on transcript NM_001458.5 (MANE Select); coding-DNA position 912, C replaced by T.
Protein change: p.Asp304=; no amino-acid change (aspartic acid 304 retained).
Molecular consequence: synonymous variant.
Genome position (GRCh38, 1-based): chr7:128,837,698, C>T. VCF-style: chr7-128837698-C-T. GRCh37 (hg19) VCF-style: chr7-128477752-C-T.
Other names: c.912C>T, p.Asp304= (NM_001127487.2).
Identifiers: ClinVar variation 472186 (VCV000472186.19), dbSNP rs201239973, ClinGen allele CA4474165.
Genomic context (GRCh38, chr7:128,837,698, plus strand): 5'-CATCGAGCCACAGGGCAACACCGTGCTGCAGCCTGCCCACTTCACCGTGCAGACGGTGGA[C>T]GCGGGCGTGGGCGAGGTGCTGGTCTACATCGAGGACCCTGAAGGCCACACCGAGGAGGTA-3'
Protein context (NP_001449.3, residues 294-314): QPAHFTVQTV[Asp304=]AGVGEVLVYI

ClinVar aggregate classification (germline): Benign/Likely benign. Review status: criteria provided, multiple submitters, no conflicts (2 of 4 stars). 5 submissions from 5 submitters: Benign (1); Likely benign (4). Last evaluated 2025-11-01.

Conditions:
Distal myopathy with posterior leg and anterior hand involvement. Also called: WILLIAMS DISTAL MYOPATHY. Identifiers: Orphanet 63273, MedGen C3279722, MONDO:0013550, OMIM 614065.
Myofibrillar myopathy 5. Also called: Filaminopathy (type); FILAMINOPATHY, AUTOSOMAL DOMINANT. Identifiers: Orphanet 171445, MedGen C1836050, MONDO:0012289, OMIM 609524.
Hypertrophic cardiomyopathy 26. Also called: Cardiomyopathy, familial hypertrophic, 26. Identifiers: Orphanet 75249, MedGen C4310749, MONDO:0014883, OMIM 617047.
Cardiovascular phenotype. Identifiers: MedGen CN230736.

Allele frequency attached by ClinVar (database versions not stated): ExAC 0.00002; gnomAD exomes 0.00005 and 0.00006; ESP Exome Variant Server 0.00008; 1000 Genomes Project 0.00020; TOPMed 0.00022; gnomAD 0.00025 and 0.00026; 1000 Genomes Project 30x 0.00031.
gnomAD v4.1: 113 of 1,610,322 alleles (0.007%); highest among the groups gnomAD compares: Admixed American, 0.072%; no homozygotes.

Submissions (5):

Labcorp Genetics (formerly Invitae), Labcorp
Classification: Likely benign for Distal myopathy with posterior leg and anterior hand involvement; Myofibrillar myopathy 5; Hypertrophic cardiomyopathy 26. Last evaluated: 2025-11-01. Review status: criteria provided, single submitter. Criteria: Invitae Variant Classification Sherloc (09022015). Collection method: clinical testing. Allele origin: germline.

Molecular Diagnostic Laboratory for Inherited Cardiovascular Disease, Montreal Heart Institute
Classification: Likely benign. Last evaluated: 2025-04-09. Review status: criteria provided, single submitter. Criteria: ACMG Guidelines, 2015. Collection method: clinical testing. Allele origin: germline. Affected: no.
Comment: BP6;BP7

Women's Health and Genetics/Laboratory Corporation of America, LabCorp
Classification: Benign. Last evaluated: 2024-12-13. Review status: criteria provided, single submitter. Criteria: LabCorp Variant Classification Summary - May 2015. Collection method: clinical testing. Allele origin: germline.

Ambry Genetics
Classification: Likely benign for Cardiovascular phenotype. Last evaluated: 2021-03-26. Review status: criteria provided, single submitter. Criteria: Ambry Variant Classification Scheme 2023. Collection method: clinical testing. Allele origin: germline.

GeneDx
Classification: Likely benign. Last evaluated: 2018-07-30. Review status: criteria provided, single submitter. Criteria: GeneDx Variant Classification Process June 2021. Collection method: clinical testing. Allele origin: germline. Affected: yes.